The following is an entry in ClinVar:

NM_001034853.2(RPGR):c.2729G>A (p.Gly910Glu)

Gene: RPGR (retinitis pigmentosa GTPase regulator; minus strand). Cytogenetic location: Xp11.4.
Variant type: single nucleotide variant.
Coding change: c.2729G>A on transcript NM_001034853.2 (MANE Select); coding-DNA position 2729, G replaced by A.
Protein change: p.Gly910Glu; replaces glycine 910 with glutamic acid.
Molecular consequence: missense variant. On other transcripts: intron variant (8).
Genome position (GRCh38, 1-based): chrX:38,286,270, C>T on the plus strand (G>A on the coding strand, the complement: RPGR is on the minus strand). VCF-style: chrX-38286270-C-T. GRCh37 (hg19) VCF-style: chrX-38145523-C-T.
Other names: NM_001034853.2(RPGR):c.2729G>A; p.Gly910Glu; c.1569+4689G>A (NM_001367249.1, NM_001367250.1); c.1902+824G>A (NM_001367245.1); c.1386+4689G>A (NM_001367251.1); c.1719+824G>A (NM_001367246.1); c.1572+4689G>A (NM_001367247.1); c.1905+824G>A (NM_000328.3); and 1 more; short protein forms G910E.
Identifiers: ClinVar variation 1200799 (VCV001200799.10), dbSNP rs749762268, ClinGen allele CA10385250.

ClinVar aggregate classification (germline): Benign. Review status: reviewed by expert panel (3 of 4 stars). 4 submissions from 4 submitters: Benign (1). 3 of the submissions do not count toward it. Last evaluated 2025-09-05.

Conditions:
RPGR-related retinopathy. Also called: RPGR retinopathy. Identifiers: MedGen CN305589, MONDO:0100437.
Primary ciliary dyskinesia. Also called: Ciliary dyskinesia. Identifiers: Orphanet 244, MedGen C0008780, MONDO:0016575, HP:0012265.

Allele frequency attached by ClinVar (database versions not stated): gnomAD 0.00016 and 0.00021; gnomAD exomes 0.00027; ExAC 0.00057; 1000 Genomes Project 0.00106.
gnomAD v4.1: 68 of 714,610 alleles (0.0095%); highest among the groups gnomAD compares: East Asian, 0.65%; no homozygotes.

Submissions (4):

ClinGen X-linked Inherited Retinal Disease Variant Curation Expert Panel, ClinGen
Classification: Benign for RPGR-related retinopathy. Last evaluated: 2025-09-05. Review status: reviewed by expert panel. Criteria: ClinGen X LinkedIRD ACMG Specifications RPGR V1.0.0. Collection method: curation. Allele origin: germline. Inheritance: X-linked inheritance.
Comment: NM_001034853.2(RPGR):c.2729G>A (p.Gly910Glu) is a missense variant causing substitution of glycine by glutamic acid at amino acid 910. This variant is present in gnomAD v.4.1.0 at a frequency of 0.0002927 among hemizygous individuals, with 21 variant alleles / 71,743 total hemizygous alleles, which is higher than the ClinGen X-linked IRD VCEP BA1 threshold of >0.00005 (BA1). However, the BP5 code is considered not applicable for RPGR. The computational predictor REVEL gives a score of 0.041, which is below the ClinGen X-linked IRD VCEP threshold of < 0.183 and predicts a non-damaging effect on RPGR function. Additionally, the splicing impact predictor SpliceAI gives a delta score of 0.01 for donor gain, which is below the ClinGen X-linked IRD VCEP recommended threshold of <0.1 and does not strongly predict an impact on splicing (BP4_Moderate). In summary, this variant is classified as benign for RPGR-related retinopathy based on the ClinGen X-linked Inherited Retinal Disease Expert Panel Specifications to the ACMG/AMP Variant Interpretation Guidelines for RPGR Version 1.0.0; BA1 and BP4.

Labcorp Genetics (formerly Invitae), Labcorp
Classification: Benign for Primary ciliary dyskinesia. Last evaluated: 2026-01-17. Review status: criteria provided, single submitter. Criteria: Invitae Variant Classification Sherloc (09022015). Collection method: clinical testing. Allele origin: germline. Not counted in ClinVar's aggregate classification.

Blueprint Genetics
Classification: Likely benign. Last evaluated: 2024-11-27. Review status: criteria provided, single submitter. Criteria: ACMG Guidelines, 2015. Collection method: clinical testing. Allele origin: germline. Not counted in ClinVar's aggregate classification.

GeneDx
Classification: Likely benign. Last evaluated: 2019-04-09. Review status: criteria provided, single submitter. Criteria: GeneDx Variant Classification Process June 2021. Collection method: clinical testing. Allele origin: germline. Affected: yes. Not counted in ClinVar's aggregate classification.
Comment: This variant is associated with the following publications: (PMID: 28488341)